The following is an entry in ClinVar:

NM_001005242.3(PKP2):c.1395G>T (p.Leu465Phe)

Gene: PKP2 (plakophilin 2; minus strand). Cytogenetic location: 12p11.21.
Variant type: single nucleotide variant.
Coding change: c.1395G>T on transcript NM_001005242.3 (MANE Select); coding-DNA position 1395, G replaced by T.
Protein change: p.Leu465Phe; replaces leucine 465 with phenylalanine.
Molecular consequence: missense variant.
Genome position (GRCh38, 1-based): chr12:32,841,189, C>A on the plus strand (G>T on the coding strand, the complement: PKP2 is on the minus strand). VCF-style: chr12-32841189-C-A. GRCh37 (hg19) VCF-style: chr12-32994123-C-A.
Other names: c.1527G>T, p.Leu509Phe (NM_004572.4); short protein forms L509F, L465F.
Identifiers: ClinVar variation 921217 (VCV000921217.7), dbSNP rs1956588629, ClinGen allele CA384368110.

ClinVar aggregate classification (germline): Uncertain significance. Review status: criteria provided, multiple submitters, no conflicts (2 of 4 stars). 3 submissions from 3 submitters: Uncertain significance (3). Last evaluated 2025-07-22.

Conditions:
Arrhythmogenic right ventricular dysplasia 9 (ARVD9). Also called: ARRHYTHMOGENIC RIGHT VENTRICULAR DYSPLASIA, FAMILIAL, 9; Arrhythmogenic Right Ventricular Dysplasia/Cardiomyopathy 9. Identifiers: MedGen C1836906, MONDO:0012180, OMIM 609040.
Cardiovascular phenotype. Identifiers: MedGen CN230736.
Cardiomyopathy (CMYO). Also called: Cardiomyopathies. Identifiers: Orphanet 167848, MedGen C0878544, MONDO:0004994, HP:0001638. Inheritance: Various modes of inheritance.

Allele frequency attached by ClinVar (database versions not stated): gnomAD exomes below 0.00001.
gnomAD v4.1: 2 of 1,613,326 alleles (0.00012%); highest among the groups gnomAD compares: Non-Finnish European, 0.00017%; no homozygotes.

Submissions (3):

Ambry Genetics
Classification: Uncertain significance for Cardiovascular phenotype. Last evaluated: 2025-07-22. Review status: criteria provided, single submitter. Criteria: Ambry Variant Classification Scheme 2023. Collection method: clinical testing. Allele origin: germline.
Comment: The p.L509F variant (also known as c.1527G>T), located in coding exon 7 of the PKP2 gene, results from a G to T substitution at nucleotide position 1527. The leucine at codon 509 is replaced by phenylalanine, an amino acid with highly similar properties. This amino acid position is conserved. In addition, this alteration is predicted to be deleterious by in silico analysis. Based on the available evidence, the clinical significance of this variant remains unclear.

Labcorp Genetics (formerly Invitae), Labcorp
Classification: Uncertain significance for Arrhythmogenic right ventricular dysplasia 9. Last evaluated: 2025-07-20. Review status: criteria provided, single submitter. Criteria: Invitae Variant Classification Sherloc (09022015). Collection method: clinical testing. Allele origin: germline.
Comment: This sequence change replaces leucine, which is neutral and non-polar, with phenylalanine, which is neutral and non-polar, at codon 509 of the PKP2 protein (p.Leu509Phe). This variant is not present in population databases (gnomAD no frequency). This variant has not been reported in the literature in individuals affected with PKP2-related conditions. ClinVar contains an entry for this variant (Variation ID: 921217). An algorithm developed to predict the effect of missense changes on protein structure and function (PolyPhen-2) suggests that this variant is likely to be disruptive. In summary, the available evidence is currently insufficient to determine the role of this variant in disease. Therefore, it has been classified as a Variant of Uncertain Significance.

Color Diagnostics, LLC DBA Color Health
Classification: Uncertain significance for Cardiomyopathy. Last evaluated: 2024-03-06. Review status: criteria provided, single submitter. Criteria: ACMG Guidelines, 2015. Collection method: clinical testing. Allele origin: germline.
Comment: This missense variant replaces leucine with phenylalanine at codon 509 of the PKP2 protein. Computational prediction suggests that this variant may have deleterious impact on protein structure and function (internally defined REVEL score threshold >= 0.7, PMID: 27666373). Splice site prediction tools suggest that this variant may not impact RNA splicing. To our knowledge, functional studies have not been performed for this variant. This variant has not been reported in individuals affected with cardiovascular disorders in the literature. This variant has not been identified in the general population by the Genome Aggregation Database (gnomAD). The available evidence is insufficient to determine the role of this variant in disease conclusively. Therefore, this variant is classified as a Variant of Uncertain Significance.